The following is an entry in ClinVar:

ClinVar aggregate classification (germline): Uncertain significance (1 of 4 stars; one submission).

gnomAD v4.1: 1 of 1,589,748 alleles (0.000063%); highest among the groups gnomAD compares: Non-Finnish European, 0.000086%; no homozygotes.

Submission:

GeneDx
Classification: Uncertain significance. Last evaluated: 2026-03-15. Review status: criteria provided, single submitter. Criteria: GeneDx Variant Classification Process June 2021. Collection method: clinical testing. Allele origin: germline.
Comment: Not observed at significant frequency in large population cohorts (gnomAD); In silico analysis supports that this missense variant has a deleterious effect on protein structure/function; Has not been previously published as pathogenic or benign to our knowledge

NM_017646.6(TRIT1):c.317T>A (p.Ile106Asn)

Gene: TRIT1 (tRNA isopentenyltransferase 1; minus strand). Cytogenetic location: 1p34.2.
Variant type: single nucleotide variant.
Coding change: c.317T>A on transcript NM_017646.6 (MANE Select); coding-DNA position 317, T replaced by A.
Protein change: p.Ile106Asn; replaces isoleucine 106 with asparagine.
Molecular consequence: missense variant. On other transcripts: intron variant (1).
Genome position (GRCh38, 1-based): chr1:39,854,067, A>T on the plus strand (T>A on the coding strand, the complement: TRIT1 is on the minus strand). VCF-style: chr1-39854067-A-T. GRCh37 (hg19) VCF-style: chr1-40319739-A-T.
Other names: c.317T>A, p.Ile106Asn (NM_001312691.2); c.175-1191T>A (NM_001312692.1); short protein forms I106N.
Identifiers: ClinVar variation 5008775 (VCV005008775.1).